The following is an entry in ClinVar:

ClinVar aggregate classification (germline): Likely pathogenic (1 of 4 stars; one submission).

Conditions:
Hereditary breast ovarian cancer syndrome. Also called: Hereditary breast and/or ovarian cancer syndrome; Hereditary breast and ovarian cancer syndrome (HBOC); Breast and ovarian cancer; Hereditary breast and ovarian cancer; BRCA1- and BRCA2-Associated Hereditary Breast and Ovarian Cancer; Hereditary breast and ovarian cancer syndrome. Identifiers: Orphanet 145, MedGen C0677776, MeSH D061325, MONDO:0003582. Disease mechanism: loss of function.

Submission:

Labcorp Genetics (formerly Invitae), Labcorp
Classification: Likely pathogenic for Hereditary breast ovarian cancer syndrome. Last evaluated: 2023-07-25. Review status: criteria provided, single submitter. Criteria: Invitae Variant Classification Sherloc (09022015). Collection method: clinical testing. Allele origin: germline.
Comment: This variant results in a copy number gain of the genomic region encompassing exon(s) 20 of the BRCA2 gene. While the exact position of this variant cannot be determined from the data, sub-genic copy number gains are generally in tandem (PMID: 25640679). This variant is predicted to be out-of-frame, and may result in an absent or disrupted protein product. Loss-of-function variants in BRCA2 are known to be pathogenic (PMID: 20104584). A similar copy number variant has been observed in individual(s) with breast cancer (PMID: 17063271, 29339979). In summary, the currently available evidence indicates that the variant is pathogenic, but additional data are needed to prove that conclusively. Therefore, this variant has been classified as Likely Pathogenic.

Literature cited by the submitters: PubMed 25640679; PubMed 20104584; PubMed 17063271; PubMed 29339979.

NC_000013.11:g.(?_32370936)_(32371120_?)dup

Gene: BRCA2 (BRCA2 DNA repair associated; plus strand). Cytogenetic location: 13q13.1.
Variant type: Duplication.
Identifiers: ClinVar variation 831997 (VCV000831997.5).